The following is an entry in ClinVar:

ClinVar aggregate classification (germline): Likely pathogenic. Review status: criteria provided, multiple submitters, no conflicts (2 of 4 stars). 2 submissions from 2 submitters: Likely pathogenic (2). Last evaluated 2023-09-06.

Conditions:
Familial cancer of breast. Also called: Hereditary breast cancer; BREAST CANCER, FAMILIAL; hereditary breast carcinoma. Identifiers: Orphanet 227535, MedGen C0346153, MONDO:0016419, OMIM 114480. Disease mechanism: loss of function.

Submissions (2):

Myriad Genetics, Inc.
Classification: Likely pathogenic for Familial cancer of breast. Last evaluated: 2023-09-06. Review status: criteria provided, single submitter. Criteria: Myriad Autosomal Dominant, Autosomal Recessive and X-Linked Classification Criteria (2023). Collection method: clinical testing. Allele origin: unknown.
Comment: This variant is considered likely pathogenic. This variant occurs within a consensus splice junction and is predicted to result in abnormal mRNA splicing of either an out-of-frame exon or an in-frame exon necessary for protein stability and/or normal function.

Baylor Genetics
Classification: Likely pathogenic for Familial cancer of breast. Last evaluated: 2023-05-31. Review status: criteria provided, single submitter. Criteria: ACMG Guidelines, 2015. Collection method: clinical testing. Allele origin: unknown.

NM_024675.4(PALB2):c.109-2A>T

Gene: PALB2 (partner and localizer of BRCA2; minus strand). Cytogenetic location: 16p12.2.
Variant type: single nucleotide variant.
Coding change: c.109-2A>T on transcript NM_024675.4 (MANE Select); the canonical splice acceptor site of the intron before coding-DNA position 109, A replaced by T.
Molecular consequence: splice acceptor variant. On other transcripts: intron variant (3).
Genome position (GRCh38, 1-based): chr16:23,637,954, T>A on the plus strand (A>T on the coding strand, the complement: PALB2 is on the minus strand). VCF-style: chr16-23637954-T-A. GRCh37 (hg19) VCF-style: chr16-23649275-T-A.
Other names: c.-777-2A>T (NM_001407308.1, NM_001407306.1, NM_001407307.1 and 5 more transcripts); c.48+3156A>T (NM_001407314.1); c.-105+3156A>T (NM_001407313.1, NM_001407312.1); c.49-2A>T (NM_001407296.1); c.109-2A>T (NM_001407297.1, NM_001407302.1, NM_001407298.1 and 3 more transcripts).
Identifiers: ClinVar variation 2673826 (VCV002673826.2), dbSNP rs730881897, ClinGen allele CA395139502.
Genomic context (GRCh38, chr16:23,637,954, plus strand): 5'-TCTTGTTCTTCTACTGTTTTCTTAATAGAATGCTTAATCTTTTCAGCTCTTTGGGCACGC[T>A]AGAGGAGACAAAAACAGCCCCAGAAATACGTTTTCTTTAAAGTTTTATAGAGTCAAGAAC-3'